The following is an entry in ClinVar:

ClinVar aggregate classification (germline): Uncertain significance (1 of 4 stars; one submission).

Conditions:
Cerebral creatine deficiency syndrome. Also called: Creatine deficiency syndromes. Identifiers: Orphanet 79172, MedGen C5244016, MONDO:0000456.

Allele frequency attached by ClinVar (database versions not stated): gnomAD 0.00002; TOPMed 0.00002.
gnomAD v4.1: 5 of 1,529,588 alleles (0.00033%); highest among the groups gnomAD compares: African/African-American, 0.0043%; no homozygotes.

Submission:

Labcorp Genetics (formerly Invitae), Labcorp
Classification: Uncertain significance for Cerebral creatine deficiency syndrome. Last evaluated: 2022-08-22. Review status: criteria provided, single submitter. Criteria: Invitae Variant Classification Sherloc (09022015). Collection method: clinical testing. Allele origin: germline.
Comment: This sequence change replaces proline, which is neutral and non-polar, with serine, which is neutral and polar, at codon 40 of the GAMT protein (p.Pro40Ser). The frequency data for this variant in the population databases is considered unreliable, as metrics indicate poor data quality at this position in the gnomAD database. This variant has not been reported in the literature in individuals affected with GAMT-related conditions. ClinVar contains an entry for this variant (Variation ID: 1448647). Algorithms developed to predict the effect of missense changes on protein structure and function are either unavailable or do not agree on the potential impact of this missense change (SIFT: "Deleterious"; PolyPhen-2: "Probably Damaging"; Align-GVGD: "Class C0"). In summary, the available evidence is currently insufficient to determine the role of this variant in disease. Therefore, it has been classified as a Variant of Uncertain Significance.

NM_000156.6(GAMT):c.118C>T (p.Pro40Ser)

Genes: GAMT (guanidinoacetate N-methyltransferase; minus strand), LOC130062945 (ATAC-STARR-seq lymphoblastoid silent region 9707; plus strand). Cytogenetic location: 19p13.3.
Variant type: single nucleotide variant.
Coding change: c.118C>T on transcript NM_000156.6 (MANE Select); coding-DNA position 118, C replaced by T.
Protein change: p.Pro40Ser; replaces proline 40 with serine.
Molecular consequence: missense variant.
Genome position (GRCh38, 1-based): chr19:1,401,359, G>A on the plus strand (C>T on the coding strand, the complement: GAMT is on the minus strand). VCF-style: chr19-1401359-G-A. GRCh37 (hg19) VCF-style: chr19-1401358-G-A.
Other names: c.118C>T, p.Pro40Ser (NM_138924.3); short protein forms P40S.
Identifiers: ClinVar variation 1448647 (VCV001448647.8), dbSNP rs11551914, ClinGen allele CA304067305.